The following is an entry in ClinVar:

ClinVar aggregate classification (germline): Conflicting classifications of pathogenicity. Review status: criteria provided, conflicting classifications (1 of 4 stars). 4 submissions from 4 submitters: Likely pathogenic (1); Uncertain significance (3). Last evaluated 2024-08-09.

Conditions:
PROM1-related disorder. Also called: PROM1-related disorders; PROM1-related condition.
Inborn genetic diseases. Identifiers: MedGen C0950123, MeSH D030342.
Retinitis pigmentosa 41 (RP41). Also called: RETINAL DEGENERATION, AUTOSOMAL RECESSIVE, PROMININ-RELATED. Identifiers: Orphanet 791, MedGen C2677516, MONDO:0012796, OMIM 612095.

Allele frequency attached by ClinVar (database versions not stated): gnomAD exomes 0.00001; gnomAD 0.00002; TOPMed 0.00002.
gnomAD v4.1: 13 of 1,604,968 alleles (0.00081%); highest among the groups gnomAD compares: East Asian, 0.0022%; no homozygotes.

Submissions (4):

3billion
Classification: Uncertain significance for Retinitis pigmentosa 41. Last evaluated: 2024-08-09. Review status: criteria provided, single submitter. Criteria: ACMG Guidelines, 2015. Collection method: clinical testing. Allele origin: germline. Affected: yes.
Comment: The variant is observed at an extremely low frequency in the gnomAD v4.0.0 dataset (total allele frequency: <0.001%). Predicted Consequence/Location: The majority of the known disease-causing variants of this gene are variants expected to result in premature termination of the protein. In silico tool predictions suggest damaging effect of the variant on gene or gene product [REVEL: 0.61 (>=0.6, sensitivity 0.68 and specificity 0.92); 3Cnet: 0.70 (>=0.6, sensitivity 0.72 and precision 0.9)]. The variant has been reported as of uncertain significance (ClinVar ID: VCV001364012). Therefore, this variant is classified as VUS according to the recommendation of ACMG/AMP guideline.

Ambry Genetics
Classification: Uncertain significance for Inborn genetic diseases. Last evaluated: 2023-12-30. Review status: criteria provided, single submitter. Criteria: Ambry Variant Classification Scheme 2023. Collection method: clinical testing. Allele origin: germline.

Labcorp Genetics (formerly Invitae), Labcorp
Classification: Uncertain significance. Last evaluated: 2022-07-12. Review status: criteria provided, single submitter. Criteria: Invitae Variant Classification Sherloc (09022015). Collection method: clinical testing. Allele origin: germline.
Comment: In summary, the available evidence is currently insufficient to determine the role of this variant in disease. Therefore, it has been classified as a Variant of Uncertain Significance. Algorithms developed to predict the effect of missense changes on protein structure and function are either unavailable or do not agree on the potential impact of this missense change (SIFT: "Tolerated"; PolyPhen-2: "Probably Damaging"; Align-GVGD: "Class C0"). ClinVar contains an entry for this variant (Variation ID: 1364012). This variant has not been reported in the literature in individuals affected with PROM1-related conditions. The frequency data for this variant in the population databases is considered unreliable, as metrics indicate poor data quality at this position in the gnomAD database. This sequence change replaces proline, which is neutral and non-polar, with leucine, which is neutral and non-polar, at codon 469 of the PROM1 protein (p.Pro469Leu).

Blueprint Genetics
Classification: Likely pathogenic for PROM1-related disorders. Last evaluated: 2022-02-08. Review status: criteria provided, single submitter. Criteria: ACMG Guidelines, 2015. Collection method: clinical testing. Allele origin: germline. Affected: yes. Observed: 5 variant alleles.

NM_006017.3(PROM1):c.1406C>T (p.Pro469Leu)

Gene: PROM1 (prominin 1; minus strand). Cytogenetic location: 4p15.32.
Variant type: single nucleotide variant.
Coding change: c.1406C>T on transcript NM_006017.3 (MANE Select); coding-DNA position 1406, C replaced by T.
Protein change: p.Pro469Leu; replaces proline 469 with leucine.
Molecular consequence: missense variant.
Genome position (GRCh38, 1-based): chr4:16,006,586, G>A on the plus strand (C>T on the coding strand, the complement: PROM1 is on the minus strand). VCF-style: chr4-16006586-G-A. GRCh37 (hg19) VCF-style: chr4-16008209-G-A.
Other names: c.1379C>T, p.Pro460Leu (NM_001145847.2, NM_001145848.2, NM_001145851.2 and 4 more transcripts); c.1406C>T, p.Pro469Leu (NM_001145849.2, NM_001145850.2); c.1406C>T (NM_006017.2); short protein forms P469L, P460L.
Identifiers: ClinVar variation 1364012 (VCV001364012.9), dbSNP rs1292254467, ClinGen allele CA356435223.